The following is an entry in ClinVar:

ClinVar aggregate classification (germline): Uncertain significance (1 of 4 stars; one submission).

Submission:

Labcorp Genetics (formerly Invitae), Labcorp
Classification: Uncertain significance. Last evaluated: 2024-02-20. Review status: criteria provided, single submitter. Criteria: Invitae Variant Classification Sherloc (09022015). Collection method: clinical testing. Allele origin: germline.
Comment: This sequence change replaces proline, which is neutral and non-polar, with glutamine, which is neutral and polar, at codon 208 of the EPHB4 protein (p.Pro208Gln). This variant is present in population databases (rs111749768, gnomAD 0.006%). This variant has not been reported in the literature in individuals affected with EPHB4-related conditions. Advanced modeling of protein sequence and biophysical properties (such as structural, functional, and spatial information, amino acid conservation, physicochemical variation, residue mobility, and thermodynamic stability) performed at Invitae indicates that this missense variant is not expected to disrupt EPHB4 protein function with a negative predictive value of 80%. In summary, the available evidence is currently insufficient to determine the role of this variant in disease. Therefore, it has been classified as a Variant of Uncertain Significance.

NM_004444.5(EPHB4):c.623C>A (p.Pro208Gln)

Gene: EPHB4 (EPH receptor B4; minus strand). Cytogenetic location: 7q22.1.
Variant type: single nucleotide variant.
Coding change: c.623C>A on transcript NM_004444.5 (MANE Select); coding-DNA position 623, C replaced by A.
Protein change: p.Pro208Gln; replaces proline 208 with glutamine.
Molecular consequence: missense variant.
Genome position (GRCh38, 1-based): chr7:100,822,456, G>T on the plus strand (C>A on the coding strand, the complement: EPHB4 is on the minus strand). VCF-style: chr7-100822456-G-T. GRCh37 (hg19) VCF-style: chr7-100420078-G-T.
Other names: short protein forms P208Q.
Identifiers: ClinVar variation 3715813 (VCV003715813.2).
Genomic context (GRCh38, chr7:100,822,456, plus strand): 5'-ACGGCATCCACCACGCAGCTACCGGCCACGGGCACAACCAGCTCCCGAGGCACAGTCTCC[G>T]GGAATCGAGTCAGGTTCACAGTCAGCTGGGCGCACTTTTTGTAGAAGAGGTGCAGGGATA-3'
Protein context (NP_004435.3, residues 198-218): AQLTVNLTRF[Pro208Gln]ETVPRELVVP